The following is an entry in ClinVar:

NM_000302.4(PLOD1):c.1718T>C (p.Met573Thr)

Gene: PLOD1 (procollagen-lysine,2-oxoglutarate 5-dioxygenase 1; plus strand). Cytogenetic location: 1p36.22.
Variant type: single nucleotide variant.
Coding change: c.1718T>C on transcript NM_000302.4 (MANE Select); coding-DNA position 1718, T replaced by C.
Protein change: p.Met573Thr; replaces methionine 573 with threonine.
Molecular consequence: missense variant.
Genome position (GRCh38, 1-based): chr1:11,967,054, T>C. VCF-style: chr1-11967054-T-C. GRCh37 (hg19) VCF-style: chr1-12027111-T-C.
Other names: c.1859T>C, p.Met620Thr (NM_001316320.2); c.1718T>C (NM_000302.3); short protein forms M620T, M573T.
Identifiers: ClinVar variation 1427102 (VCV001427102.6), dbSNP rs1645823972, ClinGen allele CA338447699.

ClinVar aggregate classification (germline): Uncertain significance. Review status: criteria provided, multiple submitters, no conflicts (2 of 4 stars). 2 submissions from 2 submitters: Uncertain significance (2). Last evaluated 2026-04-02.

Conditions:
Familial thoracic aortic aneurysm and aortic dissection (TAAD). Also called: Thoracic aortic aneurysms and dissections. Identifiers: Orphanet 91387, MedGen C4707243, MONDO:0019625.
Ehlers-Danlos syndrome, kyphoscoliotic type 1 (EDSKSCL1). Also called: EHLERS-DANLOS SYNDROME, TYPE VIA; Ehlers-Danlos syndrome, hydroxylysine-deficient; EHLERS-DANLOS SYNDROME, OCULAR-SCOLIOTIC TYPE; PLOD1-Related Kyphoscoliotic Ehlers-Danlos Syndrome. Identifiers: Orphanet 1900, MedGen C0268342, MONDO:0016002, OMIM 225400. Disease mechanism: loss of function.

Allele frequency attached by ClinVar (database versions not stated): TOPMed below 0.00001.
gnomAD v4.1: 4 of 1,613,812 alleles (0.00025%); highest among the groups gnomAD compares: Non-Finnish European, 0.00025%; no homozygotes.

Submissions (2):

Ambry Genetics
Classification: Uncertain significance for Familial thoracic aortic aneurysm and aortic dissection. Last evaluated: 2026-04-02. Review status: criteria provided, single submitter. Criteria: Ambry Variant Classification Scheme 2023. Collection method: clinical testing. Allele origin: germline.
Comment: The p.M573T variant (also known as c.1718T>C), located in coding exon 16 of the PLOD1 gene, results from a T to C substitution at nucleotide position 1718. The methionine at codon 573 is replaced by threonine, an amino acid with similar properties. This amino acid position is conserved. In addition, this alteration is predicted to be deleterious by in silico analysis. Based on the available evidence, the clinical significance of this variant remains unclear.

Labcorp Genetics (formerly Invitae), Labcorp
Classification: Uncertain significance for Ehlers-Danlos syndrome, kyphoscoliotic type 1. Last evaluated: 2021-08-14. Review status: criteria provided, single submitter. Criteria: Invitae Variant Classification Sherloc (09022015). Collection method: clinical testing. Allele origin: germline.
Comment: This sequence change replaces methionine with threonine at codon 573 of the PLOD1 protein (p.Met573Thr). The methionine residue is highly conserved and there is a moderate physicochemical difference between methionine and threonine. This variant is not present in population databases (ExAC no frequency). This variant has not been reported in the literature in individuals affected with PLOD1-related conditions. Algorithms developed to predict the effect of missense changes on protein structure and function (SIFT, PolyPhen-2, Align-GVGD) all suggest that this variant is likely to be disruptive. In summary, the available evidence is currently insufficient to determine the role of this variant in disease. Therefore, it has been classified as a Variant of Uncertain Significance.